The following is an entry in ClinVar:

NM_005475.3(SH2B3):c.788G>A (p.Cys263Tyr)

Gene: SH2B3 (SH2B adaptor protein 3; plus strand). Cytogenetic location: 12q24.12.
Variant type: single nucleotide variant.
Coding change: c.788G>A on transcript NM_005475.3 (MANE Select); coding-DNA position 788, G replaced by A.
Protein change: p.Cys263Tyr; replaces cysteine 263 with tyrosine.
Molecular consequence: missense variant.
Genome position (GRCh38, 1-based): chr12:111,446,808, G>A. VCF-style: chr12-111446808-G-A. GRCh37 (hg19) VCF-style: chr12-111884612-G-A.
Other names: c.182G>A, p.Cys61Tyr (NM_001291424.1); short protein forms C263Y, C61Y.
Identifiers: ClinVar variation 4163966 (VCV004163966.1).

ClinVar aggregate classification (germline): Uncertain significance (1 of 4 stars; one submission).

Conditions:
Inborn genetic diseases. Identifiers: MedGen C0950123, MeSH D030342.

Submission:

Ambry Genetics
Classification: Uncertain significance for Inborn genetic diseases. Last evaluated: 2025-07-28. Review status: criteria provided, single submitter. Criteria: Ambry Variant Classification Scheme 2023. Collection method: clinical testing. Allele origin: germline.
Comment: The p.C263Y variant (also known as c.788G>A), located in coding exon 2 of the SH2B3 gene, results from a G to A substitution at nucleotide position 788. The cysteine at codon 263 is replaced by tyrosine, an amino acid with highly dissimilar properties. This amino acid position is conserved. In addition, the in silico prediction for this alteration is inconclusive. Based on the available evidence, the clinical significance of this variant remains unclear.